The following is an entry in ClinVar:

NM_000540.3(RYR1):c.10162del (p.Gln3388fs)

Gene: RYR1 (ryanodine receptor 1; plus strand). Cytogenetic location: 19q13.2.
Variant type: Deletion.
Coding change: c.10162del on transcript NM_000540.3 (MANE Select); coding-DNA position 10162, one base deleted (C; older notation c.10162delC).
Protein change: p.Gln3388fs; shifts the reading frame from glutamine 3388.
Molecular consequence: frameshift variant.
Genome position (GRCh38, 1-based): chr19:38,519,357, C deleted; the last of 3 consecutive C bases (chr19:38,519,355-38,519,357); deleting any one gives the same sequence. VCF-style (leftmost placement, unchanged base first): chr19-38519354-GC-G. GRCh37 (hg19) VCF-style: chr19-39009994-GC-G.
Other names: c.10162delC (NM_000540.2); c.10162del, p.Gln3388fs (NM_001042723.2); short protein forms Q3388fs.
Identifiers: ClinVar variation 573618 (VCV000573618.6), dbSNP rs1568530776, ClinGen allele CA891843998.

ClinVar aggregate classification (germline): Pathogenic (1 of 4 stars; one submission).

Conditions:
RYR1-related disorder. Also called: RYR1-related disorders; RYR1-related condition. Identifiers: MedGen CN239331.

Submission:

Labcorp Genetics (formerly Invitae), Labcorp
Classification: Pathogenic for RYR1-related disorder. Last evaluated: 2018-05-04. Review status: criteria provided, single submitter. Criteria: Invitae Variant Classification Sherloc (09022015). Collection method: clinical testing. Allele origin: germline.
Comment: For these reasons, this variant has been classified as Pathogenic. Loss-of-function variants in RYR1 are known to be pathogenic (PMID: 20583297, 23919265). This variant has not been reported in the literature in individuals with RYR1-related disease. This variant is not present in population databases (ExAC no frequency). This sequence change creates a premature translational stop signal (p.Gln3388Argfs*37) in the RYR1 gene. It is expected to result in an absent or disrupted protein product.

Literature cited by the submitters: PubMed 20583297; PubMed 23919265.